The following is an entry in ClinVar:

NM_014244.5(ADAMTS2):c.1478_1481delinsTCTTATACACA (p.Arg493fs)

Gene: ADAMTS2 (ADAM metallopeptidase with thrombospondin type 1 motif 2; minus strand). Cytogenetic location: 5q35.3.
Variant type: Indel.
Coding change: c.1478_1481delinsTCTTATACACA on transcript NM_014244.5 (MANE Select); coding-DNA positions 1478 to 1481, GCTT replaced by TCTTATACACA.
Protein change: p.Arg493fs; shifts the reading frame from arginine 493.
Molecular consequence: frameshift variant.
Genome position (GRCh38, 1-based): chr5:179,153,525-179,153,528, AAGC replaced by TGTGTATAAGA on the plus strand (GCTT replaced by TCTTATACACA on the coding strand, the reverse complement: ADAMTS2 is on the minus strand). VCF-style: chr5-179153525-AAGC-TGTGTATAAGA. GRCh37 (hg19) VCF-style: chr5-178580526-AAGC-TGTGTATAAGA.
Other names: c.1478_1481delinsTCTTATACACA, p.Arg493fs (NM_021599.4); short protein forms R493fs.
Identifiers: ClinVar variation 5011157 (VCV005011157.1).

ClinVar aggregate classification (germline): Pathogenic (1 of 4 stars; one submission).

Conditions:
Ehlers-Danlos syndrome, dermatosparaxis type. Also called: EDS VIIC; Dermatosparaxis; Ehlers-Danlos syndrome, type VII, autosomal recessive. Identifiers: Orphanet 1901, MedGen C2700425, MONDO:0009161, OMIM 225410.

Submission:

Myriad Genetics, Inc.
Classification: Pathogenic for Ehlers-Danlos syndrome, dermatosparaxis type. Last evaluated: 2024-05-14. Review status: criteria provided, single submitter. Criteria: Myriad Autosomal Dominant, Autosomal Recessive and X-Linked Classification Criteria (2023). Collection method: clinical testing. Allele origin: unknown.
Comment: NM_014244.4(ADAMTS2):c.1478_1481del4ins11(R493Lfs*5) is expected to be pathogenic in the context of Ehlers-Danlos syndrome, ADAMTS2-related. This variant is predicted to lead to an abnormal or absent protein product due to the creation of a premature termination codon in ADAMTS2, a gene where loss-of-function variants are known to be pathogenic. Please note: this variant was assessed in the context of healthy population screening.